The following is an entry in ClinVar:

ClinVar aggregate classification (germline): Pathogenic. Review status: criteria provided, single submitter (1 of 4 stars). 3 submissions from 3 submitters: Pathogenic (1). 2 of the submissions do not count toward it. Last evaluated 2024-03-14.

Conditions:
SLC2A2-related disorder. Also called: SLC2A2-related condition.
Fanconi-Bickel syndrome (FBS). Also called: PSEUDO-PHLORIZIN DIABETES; Glycogen storage disease due to GLUT2 deficiency; FANCONI SYNDROME WITH INTESTINAL MALABSORPTION AND GALACTOSE INTOLERANCE; HEPATIC GLYCOGENOSIS WITH AMINO ACIDURIA AND GLUCOSURIA; HEPATIC GLYCOGENOSIS WITH FANCONI NEPHROPATHY; HEPATORENAL GLYCOGENOSIS WITH RENAL FANCONI SYNDROME. Identifiers: Orphanet 2088, MedGen C3495427, MONDO:0009216, OMIM 227810.

Allele frequency attached by ClinVar (database versions not stated): TOPMed below 0.00001; gnomAD 0.00001.
gnomAD v4.1: 11 of 1,613,684 alleles (0.00068%); highest among the groups gnomAD compares: East Asian, 0.0022%; no homozygotes.

Submissions (3):

Genomic Medicine Center of Excellence, King Faisal Specialist Hospital and Research Centre
Classification: Pathogenic for Fanconi-Bickel syndrome. Last evaluated: 2024-03-14. Review status: criteria provided, single submitter. Criteria: ACMG Guidelines, 2015. Collection method: research. Allele origin: germline.

PreventionGenetics, part of Exact Sciences
Classification: Pathogenic for SLC2A2-related condition. Last evaluated: 2023-12-19. Review status: no assertion criteria provided. Collection method: clinical testing. Allele origin: germline. Not counted in ClinVar's aggregate classification.
Comment: The SLC2A2 c.157C>T variant is predicted to result in premature protein termination (p.Arg53*). This variant has been reported in the heterozygous and homozygous states in multiple individuals with Fanconi-Bickel syndrome (Santer et al. 2002. PubMed ID: 11810292; Sansbury et al. 2012. PubMed ID: 22660720; Monies et al. 2019. PubMed ID: 31130284; Musa et al. 2020. PubMed ID: 33292488). This variant is reported in 0.00088% of alleles in individuals of European (Non-Finnish) descent in gnomAD. Nonsense variants in SLC2A2 are expected to be pathogenic. This variant is interpreted as pathogenic.

OMIM
Classification: Pathogenic for FANCONI-BICKEL SYNDROME. Last evaluated: 2002-01-01. Review status: no assertion criteria provided. Collection method: literature only. Allele origin: germline. Not counted in ClinVar's aggregate classification.

Literature cited by the submitters: PubMed 11810292 (cited by OMIM).

NM_000340.2(SLC2A2):c.157C>T (p.Arg53Ter)

Gene: SLC2A2 (solute carrier family 2 member 2; minus strand). Cytogenetic location: 3q26.2.
Variant type: single nucleotide variant.
Coding change: c.157C>T on transcript NM_000340.2 (MANE Select); coding-DNA position 157, C replaced by T.
Protein change: p.Arg53Ter; replaces arginine 53 with a stop codon.
Molecular consequence: nonsense. On other transcripts: 5 prime UTR variant (1), intron variant (1).
Genome position (GRCh38, 1-based): chr3:171,014,683, G>A on the plus strand (C>T on the coding strand, the complement: SLC2A2 is on the minus strand). VCF-style: chr3-171014683-G-A. GRCh37 (hg19) VCF-style: chr3-170732472-G-A.
Other names: 469C-T; c.-238C>T (NM_001278659.2); c.14+3848C>T (NM_001278658.2); c.157C>T (NM_000340.1); short protein forms R53*.
Identifiers: ClinVar variation 16100 (VCV000016100.4), dbSNP rs771477447, ClinGen allele CA355493790.